The following is an entry in ClinVar:

ClinVar aggregate classification (germline): Uncertain significance. Review status: criteria provided, multiple submitters, no conflicts (2 of 4 stars). 2 submissions from 2 submitters: Uncertain significance (2). Last evaluated 2024-04-04.

Conditions:
Cardiovascular phenotype. Identifiers: MedGen CN230736.
ANK2-related disorder. Also called: ANK2-related condition.

Allele frequency attached by ClinVar (database versions not stated): gnomAD exomes below 0.00001; TOPMed below 0.00001; ExAC 0.00001; gnomAD 0.00001.
gnomAD v4.1: 6 of 1,614,092 alleles (0.00037%); highest among the groups gnomAD compares: African/African-American, 0.0067%; no homozygotes.

Submissions (2):

Ambry Genetics
Classification: Uncertain significance for Cardiovascular phenotype. Last evaluated: 2024-04-04. Review status: criteria provided, single submitter. Criteria: Ambry Variant Classification Scheme 2023. Collection method: clinical testing. Allele origin: germline.

PreventionGenetics, part of Exact Sciences
Classification: Uncertain significance for ANK2-related condition. Last evaluated: 2023-08-11. Review status: criteria provided, single submitter. Criteria: ACMG Guidelines, 2015. Collection method: clinical testing. Allele origin: germline.
Comment: The ANK2 c.9590A>G variant is predicted to result in the amino acid substitution p.Asp3197Gly. To our knowledge, this variant has not been reported in the literature or in a large population database, indicating this variant is rare. At this time, the clinical significance of this variant is uncertain due to the absence of conclusive functional and genetic evidence.

NM_001148.6(ANK2):c.9590A>G (p.Asp3197Gly)

Gene: ANK2 (ankyrin 2; plus strand). Cytogenetic location: 4q26.
Variant type: single nucleotide variant.
Coding change: c.9590A>G on transcript NM_001148.6 (MANE Select); coding-DNA position 9590, A replaced by G.
Protein change: p.Asp3197Gly; replaces aspartic acid 3197 with glycine.
Molecular consequence: missense variant. On other transcripts: intron variant (68).
Genome position (GRCh38, 1-based): chr4:113,358,208, A>G. VCF-style: chr4-113358208-A-G. GRCh37 (hg19) VCF-style: chr4-114279364-A-G.
Other names: c.9356A>G, p.Asp3119Gly (NM_001386142.1); c.5990A>G, p.Asp1997Gly (NM_001386166.1); c.9731A>G, p.Asp3244Gly (NM_001386174.1); c.9707A>G, p.Asp3236Gly (NM_001386175.1); c.4412-2615A>G (NM_001386186.2, NM_001386148.2); c.4214-2615A>G (NM_001354269.3); c.4292-2615A>G (NM_001386187.2); c.4253-2615A>G (NM_001386147.1); and 35 more; short protein forms D3119G, D3197G, D3236G, D3244G, D1997G.
Identifiers: ClinVar variation 1767482 (VCV001767482.4), dbSNP rs757458376, ClinGen allele CA3051946.